The following is an entry in ClinVar:

ClinVar aggregate classification (germline): Likely benign (1 of 4 stars; one submission).

Allele frequency attached by ClinVar (database versions not stated): gnomAD 0.00482 and 0.00516; TOPMed 0.00583; 1000 Genomes Project 0.00739; 1000 Genomes Project 30x 0.00796.

Submission:

GeneDx
Classification: Likely benign. Last evaluated: 2018-06-18. Review status: criteria provided, single submitter. Criteria: GeneDx Variant Classification (06012015). Collection method: clinical testing. Allele origin: germline. Affected: yes.
Comment: This variant is considered likely benign or benign based on one or more of the following criteria: it is a conservative change, it occurs at a poorly conserved position in the protein, it is predicted to be benign by multiple in silico algorithms, and/or has population frequency not consistent with disease.

NM_001006630.2(CHRM2):c.-46-202T>C

Genes: CHRM2 (cholinergic receptor muscarinic 2; plus strand), LOC349160 (uncharacterized LOC349160; minus strand). Cytogenetic location: 7q33.
Variant type: single nucleotide variant.
Coding change: c.-46-202T>C on transcript NM_001006630.2 (MANE Select); 202 bases into the intron before 46 bases upstream of the start codon, T replaced by C.
Molecular consequence: intron variant.
Genome position (GRCh38, 1-based): chr7:137,014,618, T>C. VCF-style: chr7-137014618-T-C. GRCh37 (hg19) VCF-style: chr7-136699365-T-C.
Other names: c.-46-202T>C (NM_001378972.1, NM_001006627.3, NM_001006626.3 and 6 more transcripts).
Identifiers: ClinVar variation 679466 (VCV000679466.1), dbSNP rs141936929, ClinGen allele CA167698506.